The following is an entry in ClinVar:

ClinVar aggregate classification (germline): Uncertain significance (1 of 4 stars; one submission).

Conditions:
Familial sleep-related hypermotor epilepsy. Also called: Autosomal Dominant Sleep-Related Hypermotor (Hyperkinetic) Epilepsy. Identifiers: Orphanet 98784, MedGen C3696898, MONDO:0000030.

Submission:

Labcorp Genetics (formerly Invitae), Labcorp
Classification: Uncertain significance. Last evaluated: 2025-06-17. Review status: criteria provided, single submitter. Criteria: Invitae Variant Classification Sherloc (09022015). Collection method: clinical testing. Allele origin: germline.
Comment: This sequence change replaces arginine, which is basic and polar, with glycine, which is neutral and non-polar, at codon 10 of the CHRNA4 protein (p.Arg10Gly). Information on the frequency of this variant in the gnomAD database is not available, as this variant may be reported differently in the database. This variant has not been reported in the literature in individuals affected with CHRNA4-related conditions. ClinVar contains an entry for this variant (Variation ID: 2807029). Experimental studies and prediction algorithms are not available or were not evaluated, and the functional significance of this variant is currently unknown. In summary, the available evidence is currently insufficient to determine the role of this variant in disease. Therefore, it has been classified as a Variant of Uncertain Significance.

NM_000744.7(CHRNA4):c.27_28delinsAG (p.Arg10Gly)

Genes: CHRNA4 (cholinergic receptor nicotinic alpha 4 subunit; minus strand), LOC100130587 (uncharacterized LOC100130587; plus strand). Cytogenetic location: 20q13.33.
Variant type: Indel.
Coding change: c.27_28delinsAG on transcript NM_000744.7 (MANE Select); coding-DNA positions 27 to 28, GC replaced by AG.
Protein change: p.Arg10Gly; replaces arginine 10 with glycine.
Molecular consequence: missense variant. On other transcripts: non-coding transcript variant (1), intron variant (1).
Genome position (GRCh38, 1-based): chr20:63,361,138-63,361,139, GC replaced by CT on the plus strand (GC replaced by AG on the coding strand, the reverse complement: CHRNA4 is on the minus strand). VCF-style: chr20-63361138-GC-CT. GRCh37 (hg19) VCF-style: chr20-61992490-GC-CT.
Other names: c.-471+38_-471+39delinsAG (NM_001256573.2); short protein forms R10G.
Identifiers: ClinVar variation 2807029 (VCV002807029.3), dbSNP rs2516580179, ClinGen allele CA2739277233.